The following is an entry in ClinVar:

NM_001195.5(BFSP1):c.1892T>A (p.Ile631Asn)

Gene: BFSP1 (beaded filament structural protein 1; minus strand). Cytogenetic location: 20p12.1.
Variant type: single nucleotide variant.
Coding change: c.1892T>A on transcript NM_001195.5 (MANE Select); coding-DNA position 1892, T replaced by A.
Protein change: p.Ile631Asn; replaces isoleucine 631 with asparagine.
Molecular consequence: missense variant.
Genome position (GRCh38, 1-based): chr20:17,494,180, A>T on the plus strand (T>A on the coding strand, the complement: BFSP1 is on the minus strand). VCF-style: chr20-17494180-A-T. GRCh37 (hg19) VCF-style: chr20-17474825-A-T.
Other names: c.1517T>A, p.Ile506Asn (NM_001161705.2); c.1475T>A, p.Ile492Asn (NM_001278606.2, NM_001278608.2); c.1559T>A, p.Ile520Asn (NM_001278607.2); c.1892T>A (NM_001195.3); short protein forms I492N, I506N, I520N, I631N.
Identifiers: ClinVar variation 1804600 (VCV001804600.2), dbSNP rs1568674688, ClinGen allele CA408314292.

ClinVar aggregate classification (germline): Uncertain significance. Review status: criteria provided, multiple submitters, no conflicts (2 of 4 stars). 2 submissions from 2 submitters: Uncertain significance (2). Last evaluated 2025-10-29.

Conditions:
Inborn genetic diseases. Identifiers: MedGen C0950123, MeSH D030342.

Allele frequency attached by ClinVar (database versions not stated): gnomAD exomes 0.00001.

Submissions (2):

Ambry Genetics
Classification: Uncertain significance for Inborn genetic diseases. Last evaluated: 2025-10-29. Review status: criteria provided, single submitter. Criteria: Ambry Variant Classification Scheme 2023. Collection method: clinical testing. Allele origin: germline.

GeneDx
Classification: Uncertain significance. Last evaluated: 2022-04-08. Review status: criteria provided, single submitter. Criteria: GeneDx Variant Classification Process June 2021. Collection method: clinical testing. Allele origin: germline. Affected: yes.
Comment: Not observed at significant frequency in large population cohorts (gnomAD); In silico analysis supports that this missense variant has a deleterious effect on protein structure/function; Has not been previously published as pathogenic or benign to our knowledge